The following is an entry in ClinVar:

ClinVar aggregate classification (germline): Likely benign (1 of 4 stars; one submission).

gnomAD v4.1: 849 of 396,122 alleles (0.21%); highest among the groups gnomAD compares: Middle Eastern, 1.1%; 3 homozygotes.

Submission:

CeGaT Center for Human Genetics Tuebingen
Classification: Likely benign. Last evaluated: 2024-12-01. Review status: criteria provided, single submitter. Criteria: CeGaT Center For Human Genetics Tuebingen Variant Classification Criteria Version 2. Collection method: clinical testing. Allele origin: germline. Affected: yes. Observed: 1 variant allele.
Comment: DNAH14: BS2

NM_001367479.1(DNAH14):c.8059G>A (p.Asp2687Asn)

Gene: DNAH14 (dynein axonemal heavy chain 14; plus strand). Cytogenetic location: 1q42.12.
Variant type: single nucleotide variant.
Coding change: c.8059G>A on transcript NM_001367479.1 (MANE Select); coding-DNA position 8059, G replaced by A.
Protein change: p.Asp2687Asn; replaces aspartic acid 2687 with asparagine.
Molecular consequence: missense variant.
Genome position (GRCh38, 1-based): chr1:225,275,962, G>A. VCF-style: chr1-225275962-G-A. GRCh37 (hg19) VCF-style: chr1-225463664-G-A.
Other names: short protein forms D2687N.
Identifiers: ClinVar variation 3770644 (VCV003770644.13).
Genomic context (GRCh38, chr1:225,275,962, plus strand): 5'-ATCTTACAATAGATTCAGTGGACCCAAGAAAACCTGATGAATCACTCAACTGTATTTTTG[G>A]ACTTCTTGGATATAAACAAGACTCATAGAAAAAAGATTTATCAGAATACCAGTGACTATA-3'
Protein context (NP_001354408.1, residues 2677-2697): NLMNHSTVFL[Asp2687Asn]FLDINKTHRK